The following is an entry in ClinVar:

NM_006734.4(HIVEP2):c.3178C>T (p.Pro1060Ser)

Gene: HIVEP2 (HIVEP zinc finger 2; minus strand). Cytogenetic location: 6q24.2.
Variant type: single nucleotide variant.
Coding change: c.3178C>T on transcript NM_006734.4 (MANE Select); coding-DNA position 3178, C replaced by T.
Protein change: p.Pro1060Ser; replaces proline 1060 with serine.
Molecular consequence: missense variant.
Genome position (GRCh38, 1-based): chr6:142,771,561, G>A on the plus strand (C>T on the coding strand, the complement: HIVEP2 is on the minus strand). VCF-style: chr6-142771561-G-A. GRCh37 (hg19) VCF-style: chr6-143092698-G-A.
Other names: short protein forms P1060S.
Identifiers: ClinVar variation 2816397 (VCV002816397.4), dbSNP rs1369261313, ClinGen allele CA365905052.

ClinVar aggregate classification (germline): Uncertain significance. Review status: criteria provided, multiple submitters, no conflicts (2 of 4 stars). 2 submissions from 2 submitters: Uncertain significance (2). Last evaluated 2026-04-07.

Allele frequency attached by ClinVar (database versions not stated): gnomAD 0.00001; gnomAD exomes 0.00001.
gnomAD v4.1: 13 of 1,614,026 alleles (0.00081%); highest among the groups gnomAD compares: South Asian, 0.0022%; no homozygotes.

Submissions (2):

Women's Health and Genetics/Laboratory Corporation of America, LabCorp
Classification: Uncertain significance. Last evaluated: 2026-04-07. Review status: criteria provided, single submitter. Criteria: LabCorp Variant Classification Summary - May 2015. Collection method: clinical testing. Allele origin: germline.
Comment: Variant summary: HIVEP2 c.3178C>T (p.Pro1060Ser) results in a non-conservative amino acid change in the encoded protein sequence. Algorithms developed to predict the effect of missense changes on protein structure and function are either unavailable or do not agree on the potential impact of this missense change. The variant allele was found at a frequency of 4e-06 in 248776 control chromosomes. The available data on variant occurrences in the general population are insufficient to allow any conclusion about variant significance. To our knowledge, no occurrence of c.3178C>T in individuals affected with HIVEP2-related conditions and no experimental evidence demonstrating its impact on protein function have been reported. ClinVar contains an entry for this variant (Variation ID: 2816397). Based on the evidence outlined above, the variant was classified as uncertain significance.

Labcorp Genetics (formerly Invitae), Labcorp
Classification: Uncertain significance. Last evaluated: 2023-06-10. Review status: criteria provided, single submitter. Criteria: Invitae Variant Classification Sherloc (09022015). Collection method: clinical testing. Allele origin: germline.
Comment: This sequence change replaces proline, which is neutral and non-polar, with serine, which is neutral and polar, at codon 1060 of the HIVEP2 protein (p.Pro1060Ser). In summary, the available evidence is currently insufficient to determine the role of this variant in disease. Therefore, it has been classified as a Variant of Uncertain Significance. Advanced modeling of protein sequence and biophysical properties (such as structural, functional, and spatial information, amino acid conservation, physicochemical variation, residue mobility, and thermodynamic stability) performed at Invitae indicates that this missense variant is not expected to disrupt HIVEP2 protein function. This variant has not been reported in the literature in individuals affected with HIVEP2-related conditions. This variant is present in population databases (no rsID available, gnomAD 0.0009%).